The following is an entry in ClinVar:

ClinVar aggregate classification (germline): Uncertain significance (1 of 4 stars; one submission).

Conditions:
Developmental and epileptic encephalopathy. Identifiers: MedGen C5779964, MONDO:0100620.

gnomAD v4.1: 6 of 1,463,008 alleles (0.00041%); highest among the groups gnomAD compares: Non-Finnish European, 0.00057%; no homozygotes.

Submission:

Labcorp Genetics (formerly Invitae), Labcorp
Classification: Uncertain significance for Early-infantile DEE. Last evaluated: 2022-03-12. Review status: criteria provided, single submitter. Criteria: Invitae Variant Classification Sherloc (09022015). Collection method: clinical testing. Allele origin: germline.
Comment: This sequence change replaces leucine, which is neutral and non-polar, with isoleucine, which is neutral and non-polar, at codon 719 of the CACNA2D2 protein (p.Leu719Ile). This variant is not present in population databases (gnomAD no frequency). This variant has not been reported in the literature in individuals affected with CACNA2D2-related conditions. ClinVar contains an entry for this variant (Variation ID: 1060235). Algorithms developed to predict the effect of missense changes on protein structure and function are either unavailable or do not agree on the potential impact of this missense change (SIFT: "Tolerated"; PolyPhen-2: "Probably Damaging"; Align-GVGD: "Class C0"). In summary, the available evidence is currently insufficient to determine the role of this variant in disease. Therefore, it has been classified as a Variant of Uncertain Significance.

NM_006030.4(CACNA2D2):c.2155C>A (p.Leu719Ile)

Genes: CACNA2D2 (calcium voltage-gated channel auxiliary subunit alpha2delta 2; minus strand), LOC101928965 (uncharacterized LOC101928965; plus strand), LOC127898564 (CYB561D2-LOC101928965; plus strand). Cytogenetic location: 3p21.31.
Variant type: single nucleotide variant.
Coding change: c.2155C>A on transcript NM_006030.4 (MANE Select); coding-DNA position 2155, C replaced by A.
Protein change: p.Leu719Ile; replaces leucine 719 with isoleucine.
Molecular consequence: missense variant. On other transcripts: non-coding transcript variant (3).
Genome position (GRCh38, 1-based): chr3:50,367,891, G>T on the plus strand (C>A on the coding strand, the complement: CACNA2D2 is on the minus strand). VCF-style: chr3-50367891-G-T. GRCh37 (hg19) VCF-style: chr3-50405322-G-T.
Other names: c.2155C>A, p.Leu719Ile (NM_001005505.3); c.2176C>A, p.Leu726Ile (NM_001174051.3); c.1948C>A, p.Leu650Ile (NM_001291101.1); short protein forms L650I, L719I, L726I.
Identifiers: ClinVar variation 1060235 (VCV001060235.3), dbSNP rs998005566, ClinGen allele CA74608166.